The following is an entry in ClinVar:

NM_002075.4(GNB3):c.699+3G>T

Gene: GNB3 (G protein subunit beta 3; plus strand). Cytogenetic location: 12p13.31.
Variant type: single nucleotide variant.
Coding change: c.699+3G>T on transcript NM_002075.4 (MANE Select); 3 bases into the intron after coding-DNA position 699, G replaced by T.
Molecular consequence: intron variant.
Genome position (GRCh38, 1-based): chr12:6,843,981, G>T. VCF-style: chr12-6843981-G-T. GRCh37 (hg19) VCF-style: chr12-6953145-G-T.
Other names: c.696+3G>T (NM_001297571.2).
Identifiers: ClinVar variation 1952700 (VCV001952700.5), dbSNP rs781936855, ClinGen allele CA232399088.
Genomic context (GRCh38, chr12:6,843,981, plus strand): 5'-AGAGGGGACCTGCCGTCAGACTTTCACTGGCCACGAGTCGGACATCAACGCCATCTGTGT[G>T]AGTGCACCCCCCACCCCAGCTTCACTCCAACTCCTTCCCCGACACTCCCCACAACACATA-3'

ClinVar aggregate classification (germline): Uncertain significance (1 of 4 stars; one submission).

Allele frequency attached by ClinVar (database versions not stated): gnomAD 0.00001.
gnomAD v4.1: 1 of 1,602,252 alleles (0.000062%); highest among the groups gnomAD compares: Non-Finnish European, 0.000085%; no homozygotes.

Submission:

Labcorp Genetics (formerly Invitae), Labcorp
Classification: Uncertain significance. Last evaluated: 2022-03-09. Review status: criteria provided, single submitter. Criteria: Invitae Variant Classification Sherloc (09022015). Collection method: clinical testing. Allele origin: germline.
Comment: In summary, the available evidence is currently insufficient to determine the role of this variant in disease. Therefore, it has been classified as a Variant of Uncertain Significance. Variants that disrupt the consensus splice site are a relatively common cause of aberrant splicing (PMID: 17576681, 9536098). Algorithms developed to predict the effect of sequence changes on RNA splicing suggest that this variant is not likely to affect RNA splicing. This variant has not been reported in the literature in individuals affected with GNB3-related conditions. This variant is present in population databases (rs781936855, gnomAD 0.007%). This sequence change falls in intron 8 of the GNB3 gene. It does not directly change the encoded amino acid sequence of the GNB3 protein. It affects a nucleotide within the consensus splice site.

Literature cited by the submitters: PubMed 17576681; PubMed 9536098.